The following is an entry in ClinVar:

NM_000135.4(FANCA):c.209A>G (p.Lys70Arg)

Gene: FANCA (FA complementation group A; minus strand). Cytogenetic location: 16q24.3.
Variant type: single nucleotide variant.
Coding change: c.209A>G on transcript NM_000135.4 (MANE Select); coding-DNA position 209, A replaced by G.
Protein change: p.Lys70Arg; replaces lysine 70 with arginine.
Molecular consequence: missense variant.
Genome position (GRCh38, 1-based): chr16:89,814,594, T>C on the plus strand (A>G on the coding strand, the complement: FANCA is on the minus strand). VCF-style: chr16-89814594-T-C. GRCh37 (hg19) VCF-style: chr16-89881002-T-C.
Other names: c.209A>G (LRG_495t1); c.209A>G, p.Lys70Arg (NM_001018112.3, NM_001286167.3, NM_001351830.2); short protein forms K70R.
Identifiers: ClinVar variation 456092 (VCV000456092.10), dbSNP rs55692229, ClinGen allele CA8253113.

ClinVar aggregate classification (germline): Uncertain significance. Review status: criteria provided, multiple submitters, no conflicts (2 of 4 stars). 3 submissions from 3 submitters: Uncertain significance (2). 1 of the submissions does not count toward it. Last evaluated 2024-02-07.

Conditions:
Fanconi anemia (FA). Also called: Fanconi's anemia. Identifiers: Orphanet 84, MedGen C0015625, MeSH D005199, MONDO:0019391.
Fanconi anemia complementation group A (FANCA). Also called: Fanconi anemia, group A; FANCA-Related Fanconi Anemia. Identifiers: Orphanet 84, MedGen C3469521, MONDO:0009215, OMIM 227650.

Allele frequency attached by ClinVar (database versions not stated): gnomAD exomes below 0.00001 and 0.00001; TOPMed below 0.00001; ExAC 0.00001; gnomAD 0.00001 and 0.00002.
gnomAD v4.1: 11 of 1,613,474 alleles (0.00068%); highest among the groups gnomAD compares: East Asian, 0.016%; no homozygotes.

Submissions (3):

Fulgent Genetics
Classification: Uncertain significance for Fanconi anemia complementation group A. Last evaluated: 2024-02-07. Review status: criteria provided, single submitter. Criteria: ACMG Guidelines, 2015. Collection method: clinical testing. Allele origin: germline.

Labcorp Genetics (formerly Invitae), Labcorp
Classification: Uncertain significance for Fanconi anemia. Last evaluated: 2024-01-15. Review status: criteria provided, single submitter. Criteria: Invitae Variant Classification Sherloc (09022015). Collection method: clinical testing. Allele origin: germline.
Comment: This sequence change replaces lysine, which is basic and polar, with arginine, which is basic and polar, at codon 70 of the FANCA protein (p.Lys70Arg). This variant is present in population databases (rs55692229, gnomAD 0.02%). This variant has not been reported in the literature in individuals affected with FANCA-related conditions. ClinVar contains an entry for this variant (Variation ID: 456092). Advanced modeling of protein sequence and biophysical properties (such as structural, functional, and spatial information, amino acid conservation, physicochemical variation, residue mobility, and thermodynamic stability) performed at Invitae indicates that this missense variant is not expected to disrupt FANCA protein function with a negative predictive value of 95%. In summary, the available evidence is currently insufficient to determine the role of this variant in disease. Therefore, it has been classified as a Variant of Uncertain Significance.

Natera, Inc.
Classification: Uncertain significance for Fanconi anemia. Last evaluated: 2019-10-28. Review status: no assertion criteria provided. Collection method: clinical testing. Allele origin: germline. Not counted in ClinVar's aggregate classification.